The following is an entry in ClinVar:

ClinVar aggregate classification (germline): Uncertain significance (1 of 4 stars; one submission).

Conditions:
Arrhythmogenic cardiomyopathy with wooly hair and keratoderma. Also called: PALMOPLANTAR KERATODERMA WITH LEFT VENTRICULAR CARDIOMYOPATHY AND WOOLLY HAIR; Carvajal syndrome; Dilated cardiomyopathy with woolly hair and keratoderma; Arrhythmogenic cardiomyopathy with woolly hair and keratoderma. Identifiers: Orphanet 65282, MedGen C1854063, MONDO:0011581, OMIM 605676.
Arrhythmogenic right ventricular dysplasia 8 (ARVD8). Also called: Arrhythmogenic Right Ventricular Dysplasia/Cardiomyopathy 8; ARRHYTHMOGENIC RIGHT VENTRICULAR DYSPLASIA, FAMILIAL, 8; ARRHYTHMOGENIC RIGHT VENTRICULAR CARDIOMYOPATHY 8. Identifiers: MedGen C1843896, MONDO:0011831, OMIM 607450.

Submission:

Labcorp Genetics (formerly Invitae), Labcorp
Classification: Uncertain significance for Arrhythmogenic cardiomyopathy with wooly hair and keratoderma; Arrhythmogenic right ventricular dysplasia 8. Last evaluated: 2021-09-26. Review status: criteria provided, single submitter. Criteria: Invitae Variant Classification Sherloc (09022015). Collection method: clinical testing. Allele origin: germline.
Comment: This sequence change replaces leucine with valine at codon 319 of the DSP protein (p.Leu319Val). The leucine residue is highly conserved and there is a small physicochemical difference between leucine and valine. This variant is not present in population databases (ExAC no frequency). This variant has not been reported in the literature in individuals affected with DSP-related conditions. ClinVar contains an entry for this variant (Variation ID: 405252). Algorithms developed to predict the effect of missense changes on protein structure and function are either unavailable or do not agree on the potential impact of this missense change (SIFT: "Deleterious"; PolyPhen-2: "Probably Damaging"; Align-GVGD: "Class C0"). In summary, the available evidence is currently insufficient to determine the role of this variant in disease. Therefore, it has been classified as a Variant of Uncertain Significance.

NM_004415.4(DSP):c.955C>G (p.Leu319Val)

Gene: DSP (desmoplakin; plus strand). Cytogenetic location: 6p24.3.
Variant type: single nucleotide variant.
Coding change: c.955C>G on transcript NM_004415.4 (MANE Select); coding-DNA position 955, C replaced by G.
Protein change: p.Leu319Val; replaces leucine 319 with valine.
Molecular consequence: missense variant.
Genome position (GRCh38, 1-based): chr6:7,566,392, C>G. VCF-style: chr6-7566392-C-G. GRCh37 (hg19) VCF-style: chr6-7566625-C-G.
Other names: c.955C>G (LRG_423t1); c.955C>G, p.Leu319Val (NM_001008844.3, NM_001319034.2); short protein forms L319V.
Identifiers: ClinVar variation 405252 (VCV000405252.7), dbSNP rs777852039, ClinGen allele CA16611949.
Genomic context (GRCh38, chr6:7,566,392, plus strand): 5'-TAATGATGACTTGCTGCAAAGGATTTCTTATTTCTTCATTCACAGATACGCATGAGTCAA[C>G]TGGAAGTTAAAGAAAAAGAGCTCAATAAGCTGAAACAAGAAAGTGACCAACTTGTCCTCA-3'
Protein context (NP_004406.2, residues 309-329): QEAFSIRMSQ[Leu319Val]EVKEKELNKL